The following is an entry in ClinVar:

NM_000384.3(APOB):c.8709G>C (p.Gln2903His)

Gene: APOB (apolipoprotein B; minus strand). Cytogenetic location: 2p24.1.
Variant type: single nucleotide variant.
Coding change: c.8709G>C on transcript NM_000384.3 (MANE Select); coding-DNA position 8709, G replaced by C.
Protein change: p.Gln2903His; replaces glutamine 2903 with histidine.
Molecular consequence: missense variant.
Genome position (GRCh38, 1-based): chr2:21,008,159, C>G on the plus strand (G>C on the coding strand, the complement: APOB is on the minus strand). VCF-style: chr2-21008159-C-G. GRCh37 (hg19) VCF-style: chr2-21231031-C-G.
Other names: short protein forms Q2903H.
Identifiers: ClinVar variation 3932713 (VCV003932713.1).

ClinVar aggregate classification (germline): Uncertain significance (1 of 4 stars; one submission).

Conditions:
Cardiovascular phenotype. Identifiers: MedGen CN230736.

Submission:

Ambry Genetics
Classification: Uncertain significance for Cardiovascular phenotype. Last evaluated: 2025-04-02. Review status: criteria provided, single submitter. Criteria: Ambry Variant Classification Scheme 2023. Collection method: clinical testing. Allele origin: germline.
Comment: The p.Q2903H variant (also known as c.8709G>C), located in coding exon 26 of the APOB gene, results from a G to C substitution at nucleotide position 8709. The glutamine at codon 2903 is replaced by histidine, an amino acid with highly similar properties. This amino acid position is conserved. In addition, this alteration is predicted to be tolerated by in silico analysis. Based on the available evidence, the clinical significance of this variant remains unclear.